The following is an entry in ClinVar:

NM_000069.3(CACNA1S):c.895T>C (p.Tyr299His)

Gene: CACNA1S (calcium voltage-gated channel subunit alpha1 S; minus strand). Cytogenetic location: 1q32.1.
Variant type: single nucleotide variant.
Coding change: c.895T>C on transcript NM_000069.3 (MANE Select); coding-DNA position 895, T replaced by C.
Protein change: p.Tyr299His; replaces tyrosine 299 with histidine.
Molecular consequence: missense variant.
Genome position (GRCh38, 1-based): chr1:201,089,263, A>G on the plus strand (T>C on the coding strand, the complement: CACNA1S is on the minus strand). VCF-style: chr1-201089263-A-G. GRCh37 (hg19) VCF-style: chr1-201058391-A-G.
Other names: p.Tyr299His; short protein forms Y299H.
Identifiers: ClinVar variation 254855 (VCV000254855.42), dbSNP rs35856559, ClinGen allele CA084032.

ClinVar aggregate classification (germline): Benign/Likely benign. Review status: criteria provided, multiple submitters, no conflicts (2 of 4 stars). 14 submissions from 11 submitters: Benign (7); Likely benign (7). Last evaluated 2026-08-01.

Conditions:
Congenital myopathy 18. Also called: Myopathy, congenital, due to dihydropyridine receptor defect; DIHYDROPYRIDINE RECEPTOR CONGENITAL MYOPATHY; DHPR CONGENITAL MYOPATHY. Identifiers: MedGen C5830283, MONDO:0859514, OMIM 620246.
Malignant hyperthermia, susceptibility to, 5 (MHS5). Also called: CACNA1S-Related Malignant Hyperthermia Susceptibility. Identifiers: Orphanet 423, MedGen C1866077, MONDO:0011163, OMIM 601887.
Hypokalemic periodic paralysis, type 1. Also called: Hypokalemic Periodic Paralysis Type 1 (AD); HypoPP. Identifiers: Orphanet 681, MedGen C3714580, MONDO:0042979, OMIM 170400.
Thyrotoxic periodic paralysis, susceptibility to, 1 (TTPP1). Identifiers: Orphanet 79102, MedGen C2749982, MONDO:0008570, OMIM 188580.

Allele frequency attached by ClinVar (database versions not stated): gnomAD exomes 0.00075 and 0.00171; ExAC 0.00213; 1000 Genomes Project 0.00479; 1000 Genomes Project 30x 0.00484; ESP Exome Variant Server 0.00700; gnomAD 0.00730 and 0.00797; TOPMed 0.00845.

Submissions (14):

CeGaT Center for Human Genetics Tuebingen
Classification: Benign. Last evaluated: 2026-08-01. Review status: criteria provided, single submitter. Criteria: CeGaT Center For Human Genetics Tuebingen Variant Classification Criteria Version 2. Collection method: clinical testing. Allele origin: germline. Affected: yes. Observed: 5 variant alleles.
Comment: CACNA1S: PP3, BS1, BS2

Labcorp Genetics (formerly Invitae), Labcorp
Classification: Benign for Hypokalemic periodic paralysis, type 1; Malignant hyperthermia, susceptibility to, 5. Last evaluated: 2026-01-24. Review status: criteria provided, single submitter. Criteria: Invitae Variant Classification Sherloc (09022015). Collection method: clinical testing. Allele origin: germline.

Blueprint Genetics
Classification: Likely benign. Last evaluated: 2024-11-26. Review status: criteria provided, single submitter. Criteria: ACMG Guidelines, 2015. Collection method: clinical testing. Allele origin: germline.

Mayo Clinic Laboratories, Mayo Clinic
Classification: Benign. Last evaluated: 2024-03-21. Review status: criteria provided, single submitter. Criteria: ACMG Guidelines, 2015. Collection method: clinical testing. Allele origin: germline. Observed: 3 variant alleles.

Genome-Nilou Lab
Classification: Likely benign for Malignant hyperthermia, susceptibility to, 5. Last evaluated: 2023-04-11. Review status: criteria provided, single submitter. Criteria: ACMG Guidelines, 2015. Collection method: clinical testing. Allele origin: germline. Affected: no.

Genome-Nilou Lab
Classification: Likely benign for Thyrotoxic periodic paralysis, susceptibility to, 1. Last evaluated: 2023-04-11. Review status: criteria provided, single submitter. Criteria: ACMG Guidelines, 2015. Collection method: clinical testing. Allele origin: germline. Affected: no.

Genome-Nilou Lab
Classification: Likely benign for Congenital myopathy 18. Last evaluated: 2023-04-11. Review status: criteria provided, single submitter. Criteria: ACMG Guidelines, 2015. Collection method: clinical testing. Allele origin: germline. Affected: no.

Genome-Nilou Lab
Classification: Likely benign for Hypokalemic periodic paralysis, type 1. Last evaluated: 2023-04-11. Review status: criteria provided, single submitter. Criteria: ACMG Guidelines, 2015. Collection method: clinical testing. Allele origin: germline. Affected: no.

Color Diagnostics, LLC DBA Color Health
Classification: Benign for Malignant hyperthermia, susceptibility to, 5. Last evaluated: 2022-11-14. Review status: criteria provided, single submitter. Criteria: ACMG Guidelines, 2015. Collection method: clinical testing. Allele origin: germline.

Illumina Laboratory Services, Illumina
Classification: Benign for Hypokalemic periodic paralysis, type 1. Last evaluated: 2018-01-12. Review status: criteria provided, single submitter. Criteria: ICSL Variant Classification Criteria 13 December 2019. Collection method: clinical testing. Allele origin: germline.
Comment: This variant was observed in the ICSL laboratory as part of a predisposition screen in an ostensibly healthy population. It had not been previously curated by ICSL or reported in the Human Gene Mutation Database (HGMD: prior to June 1st, 2018), and was therefore a candidate for classification through an automated scoring system. Utilizing variant allele frequency, disease prevalence and penetrance estimates, and inheritance mode, an automated score was calculated to assess if this variant is too frequent to cause the disease. Based on the score and internal cut-off values, a variant classified as benign is not then subjected to further curation. The score for this variant resulted in a classification of benign for this disease.

Center for Pediatric Genomic Medicine, Children's Mercy Hospital and Clinics
Classification: Likely benign. Last evaluated: 2017-08-29. Review status: criteria provided, single submitter. Criteria: ACMG Guidelines, 2015. Collection method: clinical testing. Allele origin: germline.

GeneDx
Classification: Benign. Last evaluated: 2016-04-22. Review status: criteria provided, single submitter. Criteria: GeneDx Variant Classification (06012015). Collection method: clinical testing. Allele origin: germline. Affected: yes.
Comment: This variant is considered likely benign or benign based on one or more of the following criteria: it is a conservative change, it occurs at a poorly conserved position in the protein, it is predicted to be benign by multiple in silico algorithms, and/or has population frequency not consistent with disease.

Breakthrough Genomics
Classification: Likely benign. Review status: criteria provided, single submitter. Criteria: ACMG Guidelines, 2015. Collection method: not provided. Allele origin: germline. Inheritance: Autosomal dominant inheritance. Affected: yes.

PreventionGenetics, part of Exact Sciences
Classification: Benign. Review status: criteria provided, single submitter. Criteria: ACMG Guidelines, 2015. Collection method: clinical testing. Allele origin: germline.